The following is an entry in ClinVar:

ClinVar aggregate classification (germline): Conflicting classifications of pathogenicity. Review status: criteria provided, conflicting classifications (1 of 4 stars). 3 submissions from 3 submitters: Pathogenic (1); Uncertain significance (2). Last evaluated 2025-04-30.

Conditions:
GROWTH HORMONE DEFICIENCY WITH PITUITARY ANOMALIES. Identifiers: MedGen C2750027, OMIM 182230.
Septo-optic dysplasia sequence (SOD). Also called: Septo-optic dysplasia; DE MORSIER SYNDROME. Identifiers: Orphanet 3157, MedGen C0338503, MONDO:0008428, OMIM 182230, HP:0100842.

Submissions (3):

Labcorp Genetics (formerly Invitae), Labcorp
Classification: Uncertain significance for GROWTH HORMONE DEFICIENCY WITH PITUITARY ANOMALIES; Septo-optic dysplasia sequence. Last evaluated: 2025-04-30. Review status: criteria provided, single submitter. Criteria: Invitae Variant Classification Sherloc (09022015). Collection method: clinical testing. Allele origin: germline.
Comment: This sequence change is expected to alter the c-terminus of the HESX1 protein (p.Gln171Valfs*22). While this is not anticipated to result in nonsense mediated decay, it is expected to disrupt the last 15 amino acid(s) of the HESX1 protein and extend the protein by 6 additional amino acid residues. This variant is present in population databases (rs752434998, gnomAD 0.1%). This variant has not been reported in the literature in individuals affected with HESX1-related conditions. Experimental studies and prediction algorithms are not available or were not evaluated, and the functional significance of this variant is currently unknown. In summary, the available evidence is currently insufficient to determine the role of this variant in disease. Therefore, it has been classified as a Variant of Uncertain Significance.

Laboratory for Molecular Medicine, Mass General Brigham Personalized Medicine
Classification: Uncertain significance. Last evaluated: 2018-10-10. Review status: criteria provided, single submitter. Criteria: LMM Criteria. Collection method: clinical testing. Allele origin: germline. Observed: 1 variant allele.
Comment: The p.Gln171ValfsExtX8 variant in HESX1 has not been previously reported in indi viduals with septo-optic dysplasia but has been identified in 0.1% (10/9844) of Ashkenazi Jewish chromosomes by gnomAD. This variant is predicted to cause a frameshift altering the protein?s terminal 14 am ino acids beginning at position 171, abolishing the stop codon, and extending th e protein by 8 amino acids. It is unclear if this alteration will impact the pro tein. In summary, the clinical significance of the p.Gln171ValfsExtX8 variant is uncertain. ACMG/AMP Criteria applied: PM4.

Eurofins Ntd Llc (ga)
Classification: Pathogenic. Last evaluated: 2014-12-18. Review status: criteria provided, single submitter. Criteria: EGL Classification Definitions 2015. Collection method: clinical testing. Allele origin: germline. Observed: 1 variant allele, 1 heterozygote.

NM_003865.3(HESX1):c.511_512del (p.Gln171fs)

Gene: HESX1 (HESX homeobox 1; minus strand). Cytogenetic location: 3p14.3.
Variant type: Microsatellite.
Coding change: c.511_512del on transcript NM_003865.3 (MANE Select); coding-DNA positions 511 to 512, 2 bases deleted (CA; older notation c.511_512delCA).
Protein change: p.Gln171fs; shifts the reading frame from glutamine 171.
Molecular consequence: frameshift variant. On other transcripts: non-coding transcript variant (1).
Genome position (GRCh38, 1-based): chr3:57,198,243-57,198,244, TG deleted on the plus strand (CA on the coding strand, the reverse complement: HESX1 is on the minus strand); deleting any 2 consecutive bases within chr3:57,198,243-57,198,246 gives the same sequence; the c. name uses the placement nearest the transcript's 3' end. VCF-style (leftmost placement, unchanged base first): chr3-57198242-CTG-C. GRCh37 (hg19) VCF-style: chr3-57232270-CTG-C.
Other names: c.511_512del, p.Gln171fs (NM_001376058.1, NM_001376059.1, NM_001376060.1 and 1 more transcripts); short protein forms Q171fs.
Identifiers: ClinVar variation 197223 (VCV000197223.10), dbSNP rs752434998, ClinGen allele CA202755.